The following is an entry in ClinVar:

ClinVar aggregate classification (germline): Uncertain significance. Review status: criteria provided, multiple submitters, no conflicts (2 of 4 stars). 2 submissions from 2 submitters: Uncertain significance (2). Last evaluated 2024-07-06.

Conditions:
Hereditary cancer-predisposing syndrome. Also called: Hereditary Cancer Syndrome; Neoplastic Syndromes, Hereditary; Hereditary neoplastic syndrome; Tumor predisposition. Identifiers: Orphanet 140162, MedGen C0027672, MeSH D009386, MONDO:0015356.
Hereditary diffuse gastric adenocarcinoma (HDGC). Also called: DIFFUSE GASTRIC AND LOBULAR BREAST CANCER SYNDROME. Identifiers: Orphanet 26106, MedGen C1708349, MONDO:0007648, OMIM 137215.

Submissions (2):

Labcorp Genetics (formerly Invitae), Labcorp
Classification: Uncertain significance for Hereditary diffuse gastric adenocarcinoma. Last evaluated: 2024-07-06. Review status: criteria provided, single submitter. Criteria: Invitae Variant Classification Sherloc (09022015). Collection method: clinical testing. Allele origin: germline.
Comment: This sequence change replaces aspartic acid, which is acidic and polar, with glutamic acid, which is acidic and polar, at codon 856 of the CDH1 protein (p.Asp856Glu). This variant is not present in population databases (gnomAD no frequency). This variant has not been reported in the literature in individuals affected with CDH1-related conditions. ClinVar contains an entry for this variant (Variation ID: 821498). An algorithm developed to predict the effect of missense changes on protein structure and function (PolyPhen-2) suggests that this variant is likely to be disruptive. In summary, the available evidence is currently insufficient to determine the role of this variant in disease. Therefore, it has been classified as a Variant of Uncertain Significance.

Ambry Genetics
Classification: Uncertain significance for Hereditary cancer-predisposing syndrome. Last evaluated: 2018-01-10. Review status: criteria provided, single submitter. Criteria: Ambry Variant Classification Scheme 2023. Collection method: clinical testing. Allele origin: germline.
Comment: The p.D856E variant (also known as c.2568C>G), located in coding exon 16 of the CDH1 gene, results from a C to G substitution at nucleotide position 2568. The aspartic acid at codon 856 is replaced by glutamic acid, an amino acid with highly similar properties. This amino acid position is highly conserved in available vertebrate species. In addition, the in silico prediction for this alteration is inconclusive. Since supporting evidence is limited at this time, the clinical significance of this alteration remains unclear.

NM_004360.5(CDH1):c.2568C>G (p.Asp856Glu)

Gene: CDH1 (cadherin 1; plus strand). Cytogenetic location: 16q22.1.
Variant type: single nucleotide variant.
Coding change: c.2568C>G on transcript NM_004360.5 (MANE Select); coding-DNA position 2568, C replaced by G.
Protein change: p.Asp856Glu; replaces aspartic acid 856 with glutamic acid.
Molecular consequence: missense variant.
Genome position (GRCh38, 1-based): chr16:68,833,418, C>G. VCF-style: chr16-68833418-C-G. GRCh37 (hg19) VCF-style: chr16-68867321-C-G.
Other names: c.2385C>G, p.Asp795Glu (NM_001317184.2); c.1020C>G, p.Asp340Glu (NM_001317185.2); c.603C>G, p.Asp201Glu (NM_001317186.2); short protein forms D856E, D201E, D340E, D795E.
Identifiers: ClinVar variation 821498 (VCV000821498.12), dbSNP rs1596976533, ClinGen allele CA396472491.